The following is an entry in ClinVar:

NM_004415.4(DSP):c.5116C>T (p.Leu1706=)

Gene: DSP (desmoplakin; plus strand). Cytogenetic location: 6p24.3.
Variant type: single nucleotide variant.
Coding change: c.5116C>T on transcript NM_004415.4 (MANE Select); coding-DNA position 5116, C replaced by T.
Protein change: p.Leu1706=; no amino-acid change (leucine 1706 retained).
Molecular consequence: synonymous variant. On other transcripts: intron variant (2).
Genome position (GRCh38, 1-based): chr6:7,581,306, C>T. VCF-style: chr6-7581306-C-T. GRCh37 (hg19) VCF-style: chr6-7581539-C-T.
Other names: c.4050+1066C>T (NM_001319034.2); c.3583-1336C>T (NM_001008844.3); c.5116C>T (NM_004415.3).
Identifiers: ClinVar variation 923074 (VCV000923074.9), dbSNP rs1759432452, ClinGen allele CA448715401.

ClinVar aggregate classification (germline): Likely benign. Review status: criteria provided, multiple submitters, no conflicts (2 of 4 stars). 6 submissions from 6 submitters: Likely benign (6). Last evaluated 2026-04-14.

Conditions:
Arrhythmogenic cardiomyopathy with wooly hair and keratoderma. Also called: PALMOPLANTAR KERATODERMA WITH LEFT VENTRICULAR CARDIOMYOPATHY AND WOOLLY HAIR; Arrhythmogenic cardiomyopathy with woolly hair and keratoderma; Carvajal syndrome; Dilated cardiomyopathy with woolly hair and keratoderma. Identifiers: Orphanet 65282, MedGen C1854063, MONDO:0011581, OMIM 605676.
Cardiomyopathy, dilated, with wooly hair, keratoderma, and tooth agenesis. Also called: Erythrokeratodermia-cardiomyopathy syndrome; Cardiomyopathy, dilated, with woolly hair, keratoderma, and tooth agenesis. Identifiers: Orphanet 476096, Orphanet 65282, MedGen C4014393, MONDO:0014355, OMIM 615821.
Arrhythmogenic right ventricular dysplasia 8 (ARVD8). Also called: ARRHYTHMOGENIC RIGHT VENTRICULAR DYSPLASIA, FAMILIAL, 8; ARRHYTHMOGENIC RIGHT VENTRICULAR CARDIOMYOPATHY 8; Arrhythmogenic Right Ventricular Dysplasia/Cardiomyopathy 8. Identifiers: MedGen C1843896, MONDO:0011831, OMIM 607450.
Woolly hair-skin fragility syndrome (WHSF). Identifiers: Orphanet 293165, MedGen C1843292, MONDO:0957307, OMIM 620415.
Lethal acantholytic epidermolysis bullosa (EBLA). Identifiers: Orphanet 158687, MedGen C1864826, MONDO:0012323, OMIM 609638.
Keratosis palmoplantaris striata 2. Also called: KERATODERMA, PALMOPLANTAR, STRIATE FORM II; STRIATE PALMOPLANTAR KERATODERMA II; Keratosis palmoplantaris striata II. Identifiers: MedGen C1852127, MONDO:0013034, OMIM 612908.
Cardiomyopathy (CMYO). Also called: Cardiomyopathies. Identifiers: Orphanet 167848, MedGen C0878544, MONDO:0004994, HP:0001638. Inheritance: Various modes of inheritance.
Cardiovascular phenotype. Identifiers: MedGen CN230736.

Allele frequency attached by ClinVar (database versions not stated): gnomAD exomes below 0.00001.
gnomAD v4.1: 3 of 1,614,164 alleles (0.00019%); highest among the groups gnomAD compares: Non-Finnish European, 0.00025%; no homozygotes.

Submissions (6):

Ambry Genetics
Classification: Likely benign for Cardiovascular phenotype. Last evaluated: 2026-04-14. Review status: criteria provided, single submitter. Criteria: Ambry Variant Classification Scheme 2023. Collection method: clinical testing. Allele origin: germline.

Labcorp Genetics (formerly Invitae), Labcorp
Classification: Likely benign for Arrhythmogenic cardiomyopathy with wooly hair and keratoderma; Arrhythmogenic right ventricular dysplasia 8. Last evaluated: 2025-04-18. Review status: criteria provided, single submitter. Criteria: Invitae Variant Classification Sherloc (09022015). Collection method: clinical testing. Allele origin: germline.

Women's Health and Genetics/Laboratory Corporation of America, LabCorp
Classification: Likely benign. Last evaluated: 2023-08-19. Review status: criteria provided, single submitter. Criteria: LabCorp Variant Classification Summary - May 2015. Collection method: clinical testing. Allele origin: germline.

All of Us Research Program, National Institutes of Health
Classification: Likely benign for Arrhythmogenic cardiomyopathy with wooly hair and keratoderma. Last evaluated: 2023-04-28. Review status: criteria provided, single submitter. Criteria: ACMG Guidelines, 2015. Collection method: clinical testing. Allele origin: germline. Inheritance: Autosomal dominant inheritance. Observed: 1 variant allele, 1 heterozygote.
Comment: This study involves interpretation of variants in research participants for the purpose of population health screening. Participant phenotype was not available at the time of variant classification. Additional details can be found in publication PMID: 35346344, PMCID: PMC8962531

Fulgent Genetics
Classification: Likely benign for Arrhythmogenic cardiomyopathy with wooly hair and keratoderma; Arrhythmogenic right ventricular dysplasia 8; Lethal acantholytic epidermolysis bullosa; Keratosis palmoplantaris striata 2; Cardiomyopathy, dilated, with wooly hair, keratoderma, and tooth agenesis. Last evaluated: 2021-10-08. Review status: criteria provided, single submitter. Criteria: ACMG Guidelines, 2015. Collection method: clinical testing. Allele origin: unknown.

Color Diagnostics, LLC DBA Color Health
Classification: Likely benign for Cardiomyopathy. Last evaluated: 2018-12-31. Review status: criteria provided, single submitter. Criteria: ACMG Guidelines, 2015. Collection method: clinical testing. Allele origin: germline.